The following is an entry in ClinVar:

NM_019892.6(INPP5E):c.623C>T (p.Thr208Ile)

Gene: INPP5E (inositol polyphosphate-5-phosphatase E; minus strand). Cytogenetic location: 9q34.3.
Variant type: single nucleotide variant.
Coding change: c.623C>T on transcript NM_019892.6 (MANE Select); coding-DNA position 623, C replaced by T.
Protein change: p.Thr208Ile; replaces threonine 208 with isoleucine.
Molecular consequence: missense variant.
Genome position (GRCh38, 1-based): chr9:136,438,797, G>A on the plus strand (C>T on the coding strand, the complement: INPP5E is on the minus strand). VCF-style: chr9-136438797-G-A. GRCh37 (hg19) VCF-style: chr9-139333249-G-A.
Other names: c.623C>T, p.Thr208Ile (NM_001318502.2); c.623C>T (NM_019892.5); short protein forms T208I.
Identifiers: ClinVar variation 461748 (VCV000461748.19), dbSNP rs143107549, ClinGen allele CA5337119.

ClinVar aggregate classification (germline): Conflicting classifications of pathogenicity. Review status: criteria provided, conflicting classifications (1 of 4 stars). 7 submissions from 7 submitters: Uncertain significance (2); Likely benign (3). 2 of the submissions do not count toward it. Last evaluated 2026-01-19.

Conditions:
Inborn genetic diseases. Identifiers: MedGen C0950123, MeSH D030342.
INPP5E-related disorder. Also called: INPP5E-related condition.
Joubert syndrome 1 (JBTS1). Also called: Cerebellooculorenal syndrome 1; CEREBELLOPARENCHYMAL DISORDER IV. Identifiers: MedGen C4551568, MONDO:0008944, OMIM 213300.
Joubert syndrome. Also called: Familial aplasia of the vermis; JOUBERT-BOLTSHAUSER SYNDROME. Identifiers: Orphanet 475, MedGen C5979921, MONDO:0018772.

Allele frequency attached by ClinVar (database versions not stated): ExAC 0.00046; ESP Exome Variant Server 0.00146; TOPMed 0.00165; gnomAD 0.00169 and 0.00177; 1000 Genomes Project 30x 0.00172; 1000 Genomes Project 0.00180.
gnomAD v4.1: 462 of 1,612,202 alleles (0.029%); highest among the groups gnomAD compares: African/African-American, 0.53%; 2 homozygotes.

Submissions (7):

Labcorp Genetics (formerly Invitae), Labcorp
Classification: Likely benign for Joubert syndrome. Last evaluated: 2026-01-19. Review status: criteria provided, single submitter. Criteria: Invitae Variant Classification Sherloc (09022015). Collection method: clinical testing. Allele origin: germline.

Blueprint Genetics
Classification: Likely benign. Last evaluated: 2024-10-02. Review status: criteria provided, single submitter. Criteria: ACMG Guidelines, 2015. Collection method: clinical testing. Allele origin: germline.

Ambry Genetics
Classification: Uncertain significance for Inborn genetic diseases. Last evaluated: 2021-07-16. Review status: criteria provided, single submitter. Criteria: Ambry Variant Classification Scheme 2023. Collection method: clinical testing. Allele origin: germline.

Baylor Genetics
Classification: Uncertain significance for Joubert syndrome 1. Last evaluated: 2018-06-21. Review status: criteria provided, single submitter. Criteria: ACMG Guidelines, 2015. Collection method: clinical testing. Allele origin: maternal. Affected: yes.
Comment: This variant was determined to be of uncertain significance according to ACMG Guidelines, 2015 [PMID:25741868].

GeneDx
Classification: Likely benign. Last evaluated: 2018-03-16. Review status: criteria provided, single submitter. Criteria: GeneDx Variant Classification (06012015). Collection method: clinical testing. Allele origin: germline. Affected: yes.
Comment: This variant is considered likely benign or benign based on one or more of the following criteria: it is a conservative change, it occurs at a poorly conserved position in the protein, it is predicted to be benign by multiple in silico algorithms, and/or has population frequency not consistent with disease.

Genetic Services Laboratory, University of Chicago
Classification: Likely benign. Last evaluated: 2022-06-13. Review status: no assertion criteria provided. Collection method: clinical testing. Allele origin: germline. Affected: no. Not counted in ClinVar's aggregate classification.

PreventionGenetics, part of Exact Sciences
Classification: Likely benign for INPP5E-related condition. Last evaluated: 2019-05-22. Review status: no assertion criteria provided. Collection method: clinical testing. Allele origin: germline. Not counted in ClinVar's aggregate classification.
Comment: This variant is classified as likely benign based on ACMG/AMP sequence variant interpretation guidelines (Richards et al. 2015 PMID: 25741868, with internal and published modifications).